The following is an entry in ClinVar:

ClinVar aggregate classification (germline): Uncertain significance. Review status: criteria provided, multiple submitters, no conflicts (2 of 4 stars). 6 submissions from 6 submitters: Uncertain significance (4). 2 of the submissions do not count toward it. Last evaluated 2025-08-12.

Conditions:
Cystic fibrosis (CF). Also called: MUCOVISCIDOSIS. Identifiers: Orphanet 586, MedGen C0010674, MONDO:0009061, OMIM 219700. Disease mechanism: loss of function.
CFTR-related disorder (CFTR-RD). Also called: CFTR-related condition; CFTR-related disorders. Identifiers: MedGen C5924204, MONDO:7770004.

Allele frequency attached by ClinVar (database versions not stated): gnomAD exomes below 0.00001; TOPMed 0.00002; gnomAD 0.00003; ESP Exome Variant Server 0.00008.
gnomAD v4.1: 15 of 1,609,468 alleles (0.00093%); highest among the groups gnomAD compares: African/African-American, 0.004%; no homozygotes.

Submissions (6):

Ambry Genetics
Classification: Uncertain significance for Cystic fibrosis. Last evaluated: 2025-08-12. Review status: criteria provided, single submitter. Criteria: Ambry Variant Classification Scheme 2023. Collection method: clinical testing. Allele origin: germline.
Comment: The p.V1153M variant (also known as c.3457G>A), located in coding exon 21 of the CFTR gene, results from a G to A substitution at nucleotide position 3457. The valine at codon 1153 is replaced by methionine, an amino acid with highly similar properties. This amino acid position is well conserved in available vertebrate species. In addition, this alteration is predicted to be deleterious by in silico analysis. Based on the available evidence, the clinical significance of this variant remains unclear.

Labcorp Genetics (formerly Invitae), Labcorp
Classification: Uncertain significance for Cystic fibrosis. Last evaluated: 2025-01-15. Review status: criteria provided, single submitter. Criteria: Invitae Variant Classification Sherloc (09022015). Collection method: clinical testing. Allele origin: germline.
Comment: This sequence change replaces valine, which is neutral and non-polar, with methionine, which is neutral and non-polar, at codon 1153 of the CFTR protein (p.Val1153Met). This variant is present in population databases (rs143120209, gnomAD 0.02%). This variant has not been reported in the literature in individuals affected with CFTR-related conditions. ClinVar contains an entry for this variant (Variation ID: 665535). Invitae Evidence Modeling of protein sequence and biophysical properties (such as structural, functional, and spatial information, amino acid conservation, physicochemical variation, residue mobility, and thermodynamic stability) indicates that this missense variant is not expected to disrupt CFTR protein function with a negative predictive value of 80%. In summary, the available evidence is currently insufficient to determine the role of this variant in disease. Therefore, it has been classified as a Variant of Uncertain Significance.

Genome-Nilou Lab
Classification: Uncertain significance for Cystic fibrosis. Last evaluated: 2021-09-05. Review status: criteria provided, single submitter. Criteria: ACMG Guidelines, 2015. Collection method: clinical testing. Allele origin: germline. Affected: no.

ARUP Laboratories, Molecular Genetics and Genomics, ARUP Laboratories
Classification: Uncertain significance. Last evaluated: 2018-12-30. Review status: criteria provided, single submitter. Criteria: ARUP Molecular Germline Variant Investigation Process. Collection method: clinical testing. Allele origin: germline.
Comment: The CFTR c.3457G>A; p.Val1153Met variant (rs143120209), to our knowledge, is not reported in the medical literature or gene specific databases. This variant is found on only three chromosomes in the Genome Aggregation Database, indicating it is not a common polymorphism. The valine at codon 1153 is moderately conserved, and computational analyses (SIFT, PolyPhen-2) predict that this variant is deleterious. Additionally, another variant at this codon (p.Val1153Glu) has been reported in an individual with congenital bilateral absence of the vas deferens (Dork 1997) and exhibits decreased chloride channel function (Raraigh 2018). However, given the lack of clinical and functional data, the significance of the p.Val1153Met variant is uncertain at this time. References: Dork T et al. Distinct spectrum of CFTR gene mutations in congenital absence of vas deferens. Hum Genet. 1997 Sep;100(3-4):365-77. Raraigh KS et al. Functional Assays Are Essential for Interpretation of Missense Variants Associated with Variable Expressivity. Am J Hum Genet. 2018 Jun 7;102(6):1062-1077.

PreventionGenetics, part of Exact Sciences
Classification: Uncertain significance for CFTR-related condition. Last evaluated: 2024-09-23. Review status: no assertion criteria provided. Collection method: clinical testing. Allele origin: germline. Not counted in ClinVar's aggregate classification.
Comment: The CFTR c.3457G>A variant is predicted to result in the amino acid substitution p.Val1153Met. To our knowledge, this variant has not been reported in the literature. This variant is reported in 0.012% of alleles in individuals of African descent in gnomAD. At this time, the clinical significance of this variant is uncertain due to the absence of conclusive functional and genetic evidence.

Natera, Inc.
Classification: Uncertain significance for CFTR-related disorders. Last evaluated: 2018-06-10. Review status: no assertion criteria provided. Collection method: clinical testing. Allele origin: germline. Not counted in ClinVar's aggregate classification.

NM_000492.4(CFTR):c.3457G>A (p.Val1153Met)

Genes: CFTR (CF transmembrane conductance regulator; plus strand), CFTR-AS2 (CFTR antisense RNA 2; minus strand). Cytogenetic location: 7q31.2.
Variant type: single nucleotide variant.
Coding change: c.3457G>A on transcript NM_000492.4 (MANE Select); coding-DNA position 3457, G replaced by A.
Protein change: p.Val1153Met; replaces valine 1153 with methionine.
Molecular consequence: missense variant.
Genome position (GRCh38, 1-based): chr7:117,614,702, G>A. VCF-style: chr7-117614702-G-A. GRCh37 (hg19) VCF-style: chr7-117254756-G-A.
Other names: short protein forms V1153M.
Identifiers: ClinVar variation 665535 (VCV000665535.17), dbSNP rs143120209, ClinGen allele CA164968930.